The following is an entry in ClinVar:

ClinVar aggregate classification (germline): Pathogenic (1 of 4 stars; one submission).

Conditions:
Duchenne muscular dystrophy (DMD). Also called: Duchenne Muscular Dystrophy (DMD); MUSCULAR DYSTROPHY, PSEUDOHYPERTROPHIC PROGRESSIVE, DUCHENNE TYPE. Identifiers: Orphanet 98896, MedGen C0013264, MONDO:0010679, OMIM 310200.

Submission:

Labcorp Genetics (formerly Invitae), Labcorp
Classification: Pathogenic for Duchenne muscular dystrophy. Last evaluated: 2022-04-17. Review status: criteria provided, single submitter. Criteria: Invitae Variant Classification Sherloc (09022015). Collection method: clinical testing. Allele origin: germline.
Comment: This variant is a gross deletion of the genomic region encompassing exon(s) 44-48 of the DMD gene. This deletion is out-of-frame, and is expected to create a premature termination codon and result in an absent or disrupted protein product. Loss-of-function variants in DMD are known to be pathogenic (PMID: 16770791, 25007885). A similar copy number variant has been observed in individual(s) with Duchenne or Becker muscular dystrophy (PMID: 11409318). For these reasons, this variant has been classified as Pathogenic.

Literature cited by the submitters: PubMed 16770791; PubMed 25007885; PubMed 11409318.

NC_000023.10:g.(?_31893285)_(32235200_?)del

Gene: DMD (dystrophin; minus strand). Cytogenetic location: Xp21.1.
Variant type: Deletion.
Identifiers: ClinVar variation 2424836 (VCV002424836.4).